The following is an entry in ClinVar:

Conditions:
Breast-ovarian cancer, familial, susceptibility to, 1 (BROVCA1). Also called: BRCA1 Hereditary Breast and Ovarian Cancer; OVARIAN CANCER, SUSCEPTIBILITY TO. Identifiers: Orphanet 145, MedGen C2676676, MONDO:0011450, OMIM 604370. Disease mechanism: loss of function.

Submission:

Brotman Baty Institute, University of Washington
No classification provided (evidence only). Condition: Breast-ovarian cancer, familial 1. Review status: no classification provided. Collection method: in vitro. Allele origin: not applicable. Functional consequence: functionally_normal.
ClinVar note: "not provided" was previously submitted as the classification for the variant. However, the classification appeared to be based only on an observation of functional data so it was converted to no classification on 2025-07-30.

NM_007294.4(BRCA1):c.5315T>A (p.Phe1772Tyr)

Gene: BRCA1 (BRCA1 DNA repair associated; minus strand). Cytogenetic location: 17q21.31.
Variant type: single nucleotide variant.
Coding change: c.5315T>A on transcript NM_007294.4 (MANE Select); coding-DNA position 5315, T replaced by A.
Protein change: p.Phe1772Tyr; replaces phenylalanine 1772 with tyrosine.
Molecular consequence: missense variant. On other transcripts: non-coding transcript variant (1).
Genome position (GRCh38, 1-based): chr17:43,051,080, A>T on the plus strand (T>A on the coding strand, the complement: BRCA1 is on the minus strand). VCF-style: chr17-43051080-A-T. GRCh37 (hg19) VCF-style: chr17-41203097-A-T.
Other names: c.5102T>A, p.Phe1701Tyr (NM_001407571.1, NM_001407894.1, NM_001407895.1 and 12 more transcripts); c.5381T>A, p.Phe1794Tyr (NM_001407581.1, NM_001407582.1); c.5378T>A, p.Phe1793Tyr (NM_001407583.1, NM_001407585.1, NM_001407587.1 and 1 more transcripts); c.5375T>A, p.Phe1792Tyr (NM_001407590.1, NM_001407591.1); c.5315T>A, p.Phe1772Tyr (NM_001407593.1, NM_001407594.1, NM_001407596.1 and 6 more transcripts); c.5312T>A, p.Phe1771Tyr (NM_001407619.1, NM_001407620.1, NM_001407621.1 and 17 more transcripts); c.5309T>A, p.Phe1770Tyr (NM_001407627.1, NM_001407638.1, NM_001407639.1 and 14 more transcripts); c.5306T>A, p.Phe1769Tyr (NM_001407644.1, NM_001407645.1); and 72 more; short protein forms F1725Y, F1772Y, F668Y, F1793Y, F1476Y, F1603Y, F1645Y, F1682Y.
Identifiers: ClinVar variation 865296 (VCV000865296.3), dbSNP rs1555575700, ClinGen allele CA10590922.